The following is an entry in ClinVar:

NM_207361.6(FREM2):c.1343T>A (p.Ile448Asn)

Gene: FREM2 (FRAS1 related extracellular matrix 2; plus strand). Cytogenetic location: 13q13.3.
Variant type: single nucleotide variant.
Coding change: c.1343T>A on transcript NM_207361.6 (MANE Select); coding-DNA position 1343, T replaced by A.
Protein change: p.Ile448Asn; replaces isoleucine 448 with asparagine.
Molecular consequence: missense variant.
Genome position (GRCh38, 1-based): chr13:38,688,687, T>A. VCF-style: chr13-38688687-T-A. GRCh37 (hg19) VCF-style: chr13-39262824-T-A.
Other names: short protein forms I448N.
Identifiers: ClinVar variation 2073233 (VCV002073233.4), dbSNP rs1306858212, ClinGen allele CA387885484.

ClinVar aggregate classification (germline): Uncertain significance (1 of 4 stars; one submission).

Submission:

Labcorp Genetics (formerly Invitae), Labcorp
Classification: Uncertain significance. Last evaluated: 2022-01-03. Review status: criteria provided, single submitter. Criteria: Invitae Variant Classification Sherloc (09022015). Collection method: clinical testing. Allele origin: germline.
Comment: In summary, the available evidence is currently insufficient to determine the role of this variant in disease. Therefore, it has been classified as a Variant of Uncertain Significance. Algorithms developed to predict the effect of missense changes on protein structure and function are either unavailable or do not agree on the potential impact of this missense change (SIFT: "Deleterious"; PolyPhen-2: "Benign"; Align-GVGD: "Class C0"). This variant has not been reported in the literature in individuals affected with FREM2-related conditions. This variant is not present in population databases (gnomAD no frequency). This sequence change replaces isoleucine, which is neutral and non-polar, with asparagine, which is neutral and polar, at codon 448 of the FREM2 protein (p.Ile448Asn).